The following is an entry in ClinVar:

ClinVar aggregate classification (germline): Likely benign. Review status: criteria provided, multiple submitters, no conflicts (2 of 4 stars). 3 submissions from 3 submitters: Likely benign (3). Last evaluated 2026-03-01.

Allele frequency attached by ClinVar (database versions not stated): 1000 Genomes Project 0.00020; gnomAD exomes 0.00034 and 0.00010; ESP Exome Variant Server 0.00008; TOPMed 0.00013; ExAC 0.00014; gnomAD 0.00015 and 0.00016; 1000 Genomes Project 30x 0.00016.
gnomAD v4.1: 527 of 1,612,334 alleles (0.033%); highest among the groups gnomAD compares: Non-Finnish European, 0.04%; no homozygotes.

Submissions (3):

CeGaT Center for Human Genetics Tuebingen
Classification: Likely benign. Last evaluated: 2026-03-01. Review status: criteria provided, single submitter. Criteria: CeGaT Center For Human Genetics Tuebingen Variant Classification Criteria Version 2. Collection method: clinical testing. Allele origin: germline. Affected: yes. Observed: 1 variant allele.
Comment: PACS2: BP4, BP7

Labcorp Genetics (formerly Invitae), Labcorp
Classification: Likely benign. Last evaluated: 2025-12-21. Review status: criteria provided, single submitter. Criteria: Invitae Variant Classification Sherloc (09022015). Collection method: clinical testing. Allele origin: germline.

Blueprint Genetics
Classification: Likely benign. Last evaluated: 2024-11-06. Review status: criteria provided, single submitter. Criteria: ACMG Guidelines, 2015. Collection method: clinical testing. Allele origin: germline.

NM_001100913.3(PACS2):c.924C>T (p.Asp308=)

Gene: PACS2 (phosphofurin acidic cluster sorting protein 2; plus strand). Cytogenetic location: 14q32.33.
Variant type: single nucleotide variant.
Coding change: c.924C>T on transcript NM_001100913.3 (MANE Select); coding-DNA position 924, C replaced by T.
Protein change: p.Asp308=; no amino-acid change (aspartic acid 308 retained).
Molecular consequence: synonymous variant.
Genome position (GRCh38, 1-based): chr14:105,376,890, C>T. VCF-style: chr14-105376890-C-T. GRCh37 (hg19) VCF-style: chr14-105843227-C-T.
Other names: c.699C>T, p.Asp233= (NM_001243127.3); c.924C>T, p.Asp308= (NM_015197.4).
Identifiers: ClinVar variation 1100494 (VCV001100494.14), dbSNP rs146162539, ClinGen allele CA7388632.
Genomic context (GRCh38, chr14:105,376,890, plus strand): 5'-CCTGTATGACACCCTGGACATGGAGCACCCCAGCGACAGCGGCCCCGACATGGAGGATGA[C>T]GACAGCGTCCTCAGCACCCCCAAGCCGAAGCTGCGGTGAGCCCTACAGGGCGGGGCGGGG-3'
Protein context (NP_001094383.2, residues 298-318): PSDSGPDMED[Asp308=]DSVLSTPKPK